The following is an entry in ClinVar:

ClinVar aggregate classification (germline): Likely benign. Review status: criteria provided, single submitter (1 of 4 stars). 2 submissions from 2 submitters: Likely benign (1). 1 of the submissions does not count toward it. Last evaluated 2025-12-16.

Conditions:
FLVCR2-related disorder. Also called: FLVCR2-related condition.

Allele frequency attached by ClinVar (database versions not stated): gnomAD exomes 0.00002; TOPMed 0.00004; ExAC 0.00005; gnomAD 0.00006.
gnomAD v4.1: 48 of 1,614,260 alleles (0.003%); highest among the groups gnomAD compares: Middle Eastern, 0.049%; no homozygotes.

Submissions (2):

Labcorp Genetics (formerly Invitae), Labcorp
Classification: Likely benign. Last evaluated: 2025-12-16. Review status: criteria provided, single submitter. Criteria: Invitae Variant Classification Sherloc (09022015). Collection method: clinical testing. Allele origin: germline.

PreventionGenetics, part of Exact Sciences
Classification: Likely benign for FLVCR2-related condition. Last evaluated: 2024-06-06. Review status: no assertion criteria provided. Collection method: clinical testing. Allele origin: germline. Not counted in ClinVar's aggregate classification.
Comment: This variant is classified as likely benign based on ACMG/AMP sequence variant interpretation guidelines (Richards et al. 2015 PMID: 25741868, with internal and published modifications).

NM_017791.3(FLVCR2):c.309C>T (p.Ile103=)

Genes: FLVCR2 (FLVCR choline and putative heme transporter 2; plus strand), FLVCR2-AS1 (FLVCR2 antisense RNA 1; minus strand). Cytogenetic location: 14q24.3.
Variant type: single nucleotide variant.
Coding change: c.309C>T on transcript NM_017791.3 (MANE Select); coding-DNA position 309, C replaced by T.
Protein change: p.Ile103=; no amino-acid change (isoleucine 103 retained).
Molecular consequence: synonymous variant. On other transcripts: non-coding transcript variant (1).
Genome position (GRCh38, 1-based): chr14:75,579,281, C>T. VCF-style: chr14-75579281-C-T. GRCh37 (hg19) VCF-style: chr14-76045624-C-T.
Other names: c.309C>T (NM_017791.2).
Identifiers: ClinVar variation 2177489 (VCV002177489.5), dbSNP rs781770997, ClinGen allele CA7278194.
Genomic context (GRCh38, chr14:75,579,281, plus strand): 5'-CCGTTGGGCCGTGGTCCTGGTGTTTAGCTGCTACTCCATGTGCAACTCCTTTCAGTGGAT[C>T]CAGTACGGCTCCATCAATAACATCTTCATGCACTTCTACGGTGTCAGTGCCTTTGCCATT-3'
Protein context (NP_060261.2, residues 93-113): CYSMCNSFQW[Ile103=]QYGSINNIFM